The following is an entry in ClinVar:

NM_007118.4(TRIO):c.33C>T (p.Pro11=)

Gene: TRIO (trio Rho guanine nucleotide exchange factor; plus strand). Cytogenetic location: 5p15.2.
Variant type: single nucleotide variant.
Coding change: c.33C>T on transcript NM_007118.4 (MANE Select); coding-DNA position 33, C replaced by T.
Protein change: p.Pro11=; no amino-acid change (proline 11 retained).
Molecular consequence: synonymous variant. On other transcripts: non-coding transcript variant (1).
Genome position (GRCh38, 1-based): chr5:14,143,758, C>T. VCF-style: chr5-14143758-C-T. GRCh37 (hg19) VCF-style: chr5-14143867-C-T.
Identifiers: ClinVar variation 1200872 (VCV001200872.27), dbSNP rs1013676539, ClinGen allele CA114683587.

ClinVar aggregate classification (germline): Likely benign. Review status: criteria provided, multiple submitters, no conflicts (2 of 4 stars). 2 submissions from 2 submitters: Likely benign (2). Last evaluated 2024-07-01.

Allele frequency attached by ClinVar (database versions not stated): 1000 Genomes Project 30x 0.00016.
gnomAD v4.1: 69 of 992,760 alleles (0.007%); highest among the groups gnomAD compares: Non-Finnish European, 0.008%; no homozygotes.

Submissions (2):

CeGaT Center for Human Genetics Tuebingen
Classification: Likely benign. Last evaluated: 2024-07-01. Review status: criteria provided, single submitter. Criteria: CeGaT Center For Human Genetics Tuebingen Variant Classification Criteria Version 2. Collection method: clinical testing. Allele origin: germline. Affected: yes. Observed: 3 variant alleles.
Comment: TRIO: BP4, BP7

GeneDx
Classification: Likely benign. Last evaluated: 2021-04-20. Review status: criteria provided, single submitter. Criteria: GeneDx Variant Classification Process June 2021. Collection method: clinical testing. Allele origin: germline. Affected: yes.